The following is an entry in ClinVar:

NM_017654.4(SAMD9):c.3729C>G (p.Asn1243Lys)

Gene: SAMD9 (sterile alpha motif domain containing 9; minus strand). Cytogenetic location: 7q21.2.
Variant type: single nucleotide variant.
Coding change: c.3729C>G on transcript NM_017654.4 (MANE Select); coding-DNA position 3729, C replaced by G.
Protein change: p.Asn1243Lys; replaces asparagine 1243 with lysine.
Molecular consequence: missense variant.
Genome position (GRCh38, 1-based): chr7:93,102,369, G>C on the plus strand (C>G on the coding strand, the complement: SAMD9 is on the minus strand). VCF-style: chr7-93102369-G-C. GRCh37 (hg19) VCF-style: chr7-92731682-G-C.
Other names: c.3729C>G, p.Asn1243Lys (NM_001193307.2); short protein forms N1243K.
Identifiers: ClinVar variation 3437081 (VCV003437081.1).

ClinVar aggregate classification (germline): Uncertain significance (1 of 4 stars; one submission).

Conditions:
Inborn genetic diseases. Identifiers: MedGen C0950123, MeSH D030342.

gnomAD v4.1: 19 of 1,608,574 alleles (0.0012%); highest among the groups gnomAD compares: Non-Finnish European, 0.0016%; no homozygotes.

Submission:

Ambry Genetics
Classification: Uncertain significance for Inborn genetic diseases. Last evaluated: 2024-12-04. Review status: criteria provided, single submitter. Criteria: Ambry Variant Classification Scheme 2023. Collection method: clinical testing. Allele origin: germline.
Comment: The p.N1243K variant (also known as c.3729C>G), located in coding exon 1 of the SAMD9 gene, results from a C to G substitution at nucleotide position 3729. The asparagine at codon 1243 is replaced by lysine, an amino acid with similar properties. This amino acid position is conserved. In addition, this alteration is predicted to be tolerated by in silico analysis. Based on the available evidence, the clinical significance of this variant remains unclear.